The following is an entry in ClinVar:

ClinVar aggregate classification (germline): Uncertain significance. Review status: criteria provided, multiple submitters, no conflicts (2 of 4 stars). 2 submissions from 2 submitters: Uncertain significance (2). Last evaluated 2026-03-24.

Conditions:
Cohen syndrome (COH1). Also called: PEPPER SYNDROME; Cutis verticis gyrata, retinitis pigmentosa, and sensorineural deafness. Identifiers: Orphanet 193, MedGen C0265223, MONDO:0008999, OMIM 216550.
VPS13B-related disorder. Also called: VPS13B-related condition.

Allele frequency attached by ClinVar (database versions not stated): gnomAD exomes below 0.00001; TOPMed below 0.00001.
gnomAD v4.1: 3 of 1,613,552 alleles (0.00019%); highest among the groups gnomAD compares: Non-Finnish European, 0.00025%; no homozygotes.

Submissions (2):

PreventionGenetics, part of Exact Sciences
Classification: Uncertain significance for VPS13B-related condition. Last evaluated: 2026-03-24. Review status: criteria provided, single submitter. Criteria: ACMG Guidelines, 2015. Collection method: clinical testing. Allele origin: germline.
Comment: The VPS13B c.4084A>G variant is predicted to result in the amino acid substitution p.Ile1362Val. To our knowledge, this variant has not been reported in the literature. This variant is reported in 0.0065% of alleles in individuals of European (Non-Finnish) descent in gnomAD. At this time, the clinical significance of this variant is uncertain due to the absence of conclusive functional and genetic evidence.

Labcorp Genetics (formerly Invitae), Labcorp
Classification: Uncertain significance for Cohen syndrome. Last evaluated: 2021-12-28. Review status: criteria provided, single submitter. Criteria: Invitae Variant Classification Sherloc (09022015). Collection method: clinical testing. Allele origin: germline.
Comment: This sequence change replaces isoleucine, which is neutral and non-polar, with valine, which is neutral and non-polar, at codon 1362 of the VPS13B protein (p.Ile1362Val). This variant is present in population databases (no rsID available, gnomAD 0.0009%). This variant has not been reported in the literature in individuals affected with VPS13B-related conditions. Algorithms developed to predict the effect of missense changes on protein structure and function output the following: SIFT: "Not Available"; PolyPhen-2: "Benign"; Align-GVGD: "Not Available". The valine amino acid residue is found in multiple mammalian species, which suggests that this missense change does not adversely affect protein function. In summary, the available evidence is currently insufficient to determine the role of this variant in disease. Therefore, it has been classified as a Variant of Uncertain Significance.

NM_152564.5(VPS13B):c.4084A>G (p.Ile1362Val)

Gene: VPS13B (vacuolar protein sorting 13 homolog B; plus strand). Cytogenetic location: 8q22.2.
Variant type: single nucleotide variant.
Coding change: c.4084A>G on transcript NM_152564.5 (MANE Select); coding-DNA position 4084, A replaced by G.
Protein change: p.Ile1362Val; replaces isoleucine 1362 with valine.
Molecular consequence: missense variant.
Genome position (GRCh38, 1-based): chr8:99,502,877, A>G. VCF-style: chr8-99502877-A-G. GRCh37 (hg19) VCF-style: chr8-100515105-A-G.
Other names: c.4084A>G, p.Ile1362Val (NM_017890.5); c.4084A>G (NM_152564.4); short protein forms I1362V.
Identifiers: ClinVar variation 1409292 (VCV001409292.6), dbSNP rs1230385293, ClinGen allele CA371869977.